The following is an entry in ClinVar:

NM_025137.4(SPG11):c.7107G>T (p.Gln2369His)

Gene: SPG11 (SPG11 vesicle trafficking associated, spatacsin; minus strand). Cytogenetic location: 15q21.1.
Variant type: single nucleotide variant.
Coding change: c.7107G>T on transcript NM_025137.4 (MANE Select); coding-DNA position 7107, G replaced by T.
Protein change: p.Gln2369His; replaces glutamine 2369 with histidine.
Molecular consequence: missense variant.
Genome position (GRCh38, 1-based): chr15:44,564,591, C>A on the plus strand (G>T on the coding strand, the complement: SPG11 is on the minus strand). VCF-style: chr15-44564591-C-A. GRCh37 (hg19) VCF-style: chr15-44856789-C-A.
Other names: c.6768G>T, p.Gln2256His (NM_001160227.2); short protein forms Q2369H, Q2256H.
Identifiers: ClinVar variation 406506 (VCV000406506.2), dbSNP rs551095608, ClinGen allele CA7533903.

ClinVar aggregate classification (germline): Uncertain significance (1 of 4 stars; one submission).

Conditions:
Hereditary spastic paraplegia 11. Also called: Spastic Paraplegia 11; Spastic paraplegia, mental retardation and thin corpus callosum; Nakamura Osame syndrome; Autosomal recessive hereditary spastic paraplegia, mental impairment, and thin corpus callosum; SPASTIC PARAPLEGIA, AUTOSOMAL RECESSIVE, COMPLICATED, WITH THIN CORPUS CALLOSUM; SPASTIC PARAPLEGIA, AUTOSOMAL RECESSIVE, WITH MENTAL IMPAIRMENT AND THIN CORPUS CALLOSUM. Identifiers: Orphanet 2822, MedGen C1858479, MONDO:0011445, OMIM 604360.

Allele frequency attached by ClinVar (database versions not stated): TOPMed 0.00002; gnomAD 0.00004.
gnomAD v4.1: 7 of 1,613,848 alleles (0.00043%); highest among the groups gnomAD compares: African/African-American, 0.0093%; no homozygotes.

Submission:

Labcorp Genetics (formerly Invitae), Labcorp
Classification: Uncertain significance for Hereditary spastic paraplegia 11. Last evaluated: 2021-09-15. Review status: criteria provided, single submitter. Criteria: Invitae Variant Classification Sherloc (09022015). Collection method: clinical testing. Allele origin: germline.
Comment: This sequence change replaces glutamine with histidine at codon 2369 of the SPG11 protein (p.Gln2369His). The glutamine residue is highly conserved and there is a small physicochemical difference between glutamine and histidine. This variant is present in population databases (rs551095608, ExAC 0.01%). This variant has not been reported in the literature in individuals affected with SPG11-related conditions. Algorithms developed to predict the effect of missense changes on protein structure and function are either unavailable or do not agree on the potential impact of this missense change (SIFT: "Tolerated"; PolyPhen-2: "Possibly Damaging"; Align-GVGD: "Class C0"). In summary, the available evidence is currently insufficient to determine the role of this variant in disease. Therefore, it has been classified as a Variant of Uncertain Significance.